The following is an entry in ClinVar:

NM_207037.2(TCF12):c.632A>G (p.Tyr211Cys)

Gene: TCF12 (transcription factor 12; plus strand). Cytogenetic location: 15q21.3.
Variant type: single nucleotide variant.
Coding change: c.632A>G on transcript NM_207037.2 (MANE Select); coding-DNA position 632, A replaced by G.
Protein change: p.Tyr211Cys; replaces tyrosine 211 with cysteine.
Molecular consequence: missense variant. On other transcripts: 5 prime UTR variant (1).
Genome position (GRCh38, 1-based): chr15:57,231,204, A>G. VCF-style: chr15-57231204-A-G. GRCh37 (hg19) VCF-style: chr15-57523402-A-G.
Other names: c.122A>G, p.Tyr41Cys (NM_001306219.3, NM_207040.2); c.64A>G, p.Ile22Val (NM_001306220.3); c.632A>G, p.Tyr211Cys (NM_001322151.2, NM_001322152.2, NM_001322157.3 and 7 more transcripts); c.-26A>G (NM_001322154.2); c.458A>G, p.Tyr153Cys (NM_001322156.2, NM_001322158.2); c.668A>G, p.Tyr223Cys (NM_001322164.2); short protein forms I22V, Y153C, Y211C, Y223C, Y41C.
Identifiers: ClinVar variation 1693023 (VCV001693023.3), dbSNP rs2151917831, ClinGen allele CA392590556.

ClinVar aggregate classification (germline): Uncertain significance (1 of 4 stars; one submission).

gnomAD v4.1: 9 of 1,613,290 alleles (0.00056%); highest among the groups gnomAD compares: Non-Finnish European, 0.00076%; no homozygotes.

Submission:

GeneDx
Classification: Uncertain significance. Last evaluated: 2025-10-08. Review status: criteria provided, single submitter. Criteria: GeneDx Variant Classification Process June 2021. Collection method: clinical testing. Allele origin: germline. Affected: yes.
Comment: Not observed at significant frequency in large population cohorts (gnomAD); In silico analysis supports that this missense variant has a deleterious effect on protein structure/function; Has not been previously published as pathogenic or benign to our knowledge